The following is an entry in ClinVar:

NM_004260.4(RECQL4):c.106G>A (p.Glu36Lys)

Genes: RECQL4 (RecQ like helicase 4; minus strand), LOC130001411 (ATAC-STARR-seq lymphoblastoid silent region 19699; plus strand). Cytogenetic location: 8q24.3.
Variant type: single nucleotide variant.
Coding change: c.106G>A on transcript NM_004260.4 (MANE Select); coding-DNA position 106, G replaced by A.
Protein change: p.Glu36Lys; replaces glutamic acid 36 with lysine.
Molecular consequence: missense variant. On other transcripts: 5 prime UTR variant (17), non-coding transcript variant (3), intron variant (1).
Genome position (GRCh38, 1-based): chr8:144,517,614, C>T on the plus strand (G>A on the coding strand, the complement: RECQL4 is on the minus strand). VCF-style: chr8-144517614-C-T. GRCh37 (hg19) VCF-style: chr8-145742998-C-T.
Other names: c.106G>A, p.Glu36Lys (NM_001413017.1, NM_001413018.1, NM_001413019.1 and 5 more transcripts); c.-615G>A (NM_001413021.1); c.-966G>A (NM_001413022.1, NM_001413023.1, NM_001413037.1 and 2 more transcripts); c.-863G>A (NM_001413024.1, NM_001413035.1); c.-1028G>A (NM_001413027.1, NM_001413030.1, NM_001413031.1 and 1 more transcripts); c.-691G>A (NM_001413028.1); c.-925G>A (NM_001413032.1); c.-870G>A (NM_001413034.1); and 4 more; short protein forms E36K.
Identifiers: ClinVar variation 2781652 (VCV002781652.4), dbSNP rs1815402122, ClinGen allele CA372693422.

ClinVar aggregate classification (germline): Uncertain significance. Review status: criteria provided, multiple submitters, no conflicts (2 of 4 stars). 2 submissions from 2 submitters: Uncertain significance (2). Last evaluated 2025-04-22.

Conditions:
Baller-Gerold syndrome (BGS). Also called: CRANIOSYNOSTOSIS WITH RADIAL DEFECTS. Identifiers: Orphanet 1225, MedGen C0265308, MONDO:0009039, OMIM 218600.
Inborn genetic diseases. Identifiers: MedGen C0950123, MeSH D030342.

Submissions (2):

Ambry Genetics
Classification: Uncertain significance for Inborn genetic diseases. Last evaluated: 2025-04-22. Review status: criteria provided, single submitter. Criteria: Ambry Variant Classification Scheme 2023. Collection method: clinical testing. Allele origin: germline.
Comment: The p.E36K variant (also known as c.106G>A), located in coding exon 2 of the RECQL4 gene, results from a G to A substitution at nucleotide position 106. The glutamic acid at codon 36 is replaced by lysine, an amino acid with similar properties. This amino acid position is conserved. In addition, the in silico prediction for this alteration is inconclusive. Based on the available evidence, the clinical significance of this variant remains unclear.

Labcorp Genetics (formerly Invitae), Labcorp
Classification: Uncertain significance for Baller-Gerold syndrome. Last evaluated: 2023-10-04. Review status: criteria provided, single submitter. Criteria: Invitae Variant Classification Sherloc (09022015). Collection method: clinical testing. Allele origin: germline.
Comment: This sequence change replaces glutamic acid, which is acidic and polar, with lysine, which is basic and polar, at codon 36 of the RECQL4 protein (p.Glu36Lys). This variant is not present in population databases (gnomAD no frequency). This variant has not been reported in the literature in individuals affected with RECQL4-related conditions. Experimental studies and prediction algorithms are not available or were not evaluated, and the functional significance of this variant is currently unknown. In summary, the available evidence is currently insufficient to determine the role of this variant in disease. Therefore, it has been classified as a Variant of Uncertain Significance.